The following is an entry in ClinVar:

NM_001365999.1(SZT2):c.8711G>A (p.Arg2904His)

Gene: SZT2 (SZT2 subunit of KICSTOR complex; plus strand). Cytogenetic location: 1p34.2.
Variant type: single nucleotide variant.
Coding change: c.8711G>A on transcript NM_001365999.1 (MANE Select); coding-DNA position 8711, G replaced by A.
Protein change: p.Arg2904His; replaces arginine 2904 with histidine.
Molecular consequence: missense variant.
Genome position (GRCh38, 1-based): chr1:43,443,682, G>A. VCF-style: chr1-43443682-G-A. GRCh37 (hg19) VCF-style: chr1-43909353-G-A.
Other names: c.8540G>A, p.Arg2847His (NM_015284.4); short protein forms R2847H, R2904H.
Identifiers: ClinVar variation 493040 (VCV000493040.49), dbSNP rs769574689, ClinGen allele CA810660.

ClinVar aggregate classification (germline): Uncertain significance. Review status: criteria provided, multiple submitters, no conflicts (2 of 4 stars). 4 submissions from 4 submitters: Uncertain significance (4). Last evaluated 2025-08-07.

Conditions:
Inborn genetic diseases. Identifiers: MedGen C0950123, MeSH D030342.
Developmental and epileptic encephalopathy, 18 (DEE18). Also called: Early infantile epileptic encephalopathy 18. Identifiers: Orphanet 369894, MedGen C3809624, MONDO:0014201, OMIM 615476.

Allele frequency attached by ClinVar (database versions not stated): TOPMed 0.00053.
gnomAD v4.1: 35 of 1,614,118 alleles (0.0022%); highest among the groups gnomAD compares: East Asian, 0.0089%; no homozygotes.

Submissions (4):

Ambry Genetics
Classification: Uncertain significance for Inborn genetic diseases. Last evaluated: 2025-08-07. Review status: criteria provided, single submitter. Criteria: Ambry Variant Classification Scheme 2023. Collection method: clinical testing. Allele origin: germline.

Genome-Nilou Lab
Classification: Uncertain significance for Developmental and epileptic encephalopathy, 18. Last evaluated: 2023-04-11. Review status: criteria provided, single submitter. Criteria: ACMG Guidelines, 2015. Collection method: clinical testing. Allele origin: germline. Affected: no.

Labcorp Genetics (formerly Invitae), Labcorp
Classification: Uncertain significance. Last evaluated: 2022-03-22. Review status: criteria provided, single submitter. Criteria: Invitae Variant Classification Sherloc (09022015). Collection method: clinical testing. Allele origin: germline.
Comment: This sequence change replaces arginine, which is basic and polar, with histidine, which is basic and polar, at codon 2847 of the SZT2 protein (p.Arg2847His). This variant is present in population databases (rs769574689, gnomAD 0.004%). This variant has not been reported in the literature in individuals affected with SZT2-related conditions. ClinVar contains an entry for this variant (Variation ID: 493040). Algorithms developed to predict the effect of missense changes on protein structure and function are either unavailable or do not agree on the potential impact of this missense change (SIFT: "Tolerated"; PolyPhen-2: "Probably Damaging"; Align-GVGD: "Class C0"). In summary, the available evidence is currently insufficient to determine the role of this variant in disease. Therefore, it has been classified as a Variant of Uncertain Significance.

CeGaT Center for Human Genetics Tuebingen
Classification: Uncertain significance. Last evaluated: 2017-07-01. Review status: criteria provided, single submitter. Criteria: CeGaT Center For Human Genetics Tuebingen Variant Classification Criteria Version 2. Collection method: clinical testing. Allele origin: germline. Affected: yes. Observed: 1 variant allele.